The following is an entry in ClinVar:

NM_001286.5(CLCN6):c.1058G>C (p.Cys353Ser)

Gene: CLCN6 (chloride voltage-gated channel 6; plus strand). Cytogenetic location: 1p36.22.
Variant type: single nucleotide variant.
Coding change: c.1058G>C on transcript NM_001286.5 (MANE Select); coding-DNA position 1058, G replaced by C.
Protein change: p.Cys353Ser; replaces cysteine 353 with serine.
Molecular consequence: missense variant. On other transcripts: non-coding transcript variant (1).
Genome position (GRCh38, 1-based): chr1:11,828,561, G>C. VCF-style: chr1-11828561-G-C. GRCh37 (hg19) VCF-style: chr1-11888618-G-C.
Other names: c.992G>C, p.Cys331Ser (NM_001256959.2); short protein forms C353S, C331S.
Identifiers: ClinVar variation 1505140 (VCV001505140.6), dbSNP rs745893586, ClinGen allele CA17997813.

ClinVar aggregate classification (germline): Uncertain significance (1 of 4 stars; one submission).

gnomAD v4.1: 19 of 1,614,046 alleles (0.0012%); highest among the groups gnomAD compares: East Asian, 0.0022%; no homozygotes.

Submission:

Labcorp Genetics (formerly Invitae), Labcorp
Classification: Uncertain significance. Last evaluated: 2023-08-24. Review status: criteria provided, single submitter. Criteria: Invitae Variant Classification Sherloc (09022015). Collection method: clinical testing. Allele origin: germline.
Comment: In summary, the available evidence is currently insufficient to determine the role of this variant in disease. Therefore, it has been classified as a Variant of Uncertain Significance. An algorithm developed to predict the effect of missense changes on protein structure and function (PolyPhen-2) suggests that this variant is likely to be tolerated. ClinVar contains an entry for this variant (Variation ID: 1505140). This variant has not been reported in the literature in individuals affected with CLCN6-related conditions. This variant is present in population databases (no rsID available, gnomAD no frequency). This sequence change replaces cysteine, which is neutral and slightly polar, with serine, which is neutral and polar, at codon 353 of the CLCN6 protein (p.Cys353Ser).